The following is an entry in ClinVar:

NM_001286577.2(C2CD3):c.2900A>G (p.Asn967Ser)

Gene: C2CD3 (C2 domain containing 3 centriole elongation regulator; minus strand). Cytogenetic location: 11q13.4.
Variant type: single nucleotide variant.
Coding change: c.2900A>G on transcript NM_001286577.2 (MANE Select); coding-DNA position 2900, A replaced by G.
Protein change: p.Asn967Ser; replaces asparagine 967 with serine.
Molecular consequence: missense variant.
Genome position (GRCh38, 1-based): chr11:74,098,088, T>C on the plus strand (A>G on the coding strand, the complement: C2CD3 is on the minus strand). VCF-style: chr11-74098088-T-C. GRCh37 (hg19) VCF-style: chr11-73809133-T-C.
Other names: c.2900A>G, p.Asn967Ser (NM_015531.6); c.2900A>G (NM_015531.4); short protein forms N967S.
Identifiers: ClinVar variation 2322840 (VCV002322840.8), dbSNP rs777109415, ClinGen allele CA6182528.

ClinVar aggregate classification (germline): Uncertain significance. Review status: criteria provided, multiple submitters, no conflicts (2 of 4 stars). 2 submissions from 2 submitters: Uncertain significance (2). Last evaluated 2025-08-15.

Conditions:
Inborn genetic diseases. Identifiers: MedGen C0950123, MeSH D030342.

Allele frequency attached by ClinVar (database versions not stated): gnomAD exomes below 0.00001; ExAC 0.00001.
gnomAD v4.1: 5 of 1,614,088 alleles (0.00031%); highest among the groups gnomAD compares: Non-Finnish European, 0.00042%; no homozygotes.

Submissions (2):

Labcorp Genetics (formerly Invitae), Labcorp
Classification: Uncertain significance. Last evaluated: 2025-08-15. Review status: criteria provided, single submitter. Criteria: Invitae Variant Classification Sherloc (09022015). Collection method: clinical testing. Allele origin: germline.
Comment: This sequence change replaces asparagine, which is neutral and polar, with serine, which is neutral and polar, at codon 967 of the C2CD3 protein (p.Asn967Ser). This variant is present in population databases (rs777109415, gnomAD 0.0009%). This variant has not been reported in the literature in individuals affected with C2CD3-related conditions. ClinVar contains an entry for this variant (Variation ID: 2322840). Invitae Evidence Modeling of protein sequence and biophysical properties (such as structural, functional, and spatial information, amino acid conservation, physicochemical variation, residue mobility, and thermodynamic stability) indicates that this missense variant is not expected to disrupt C2CD3 protein function with a negative predictive value of 80%. In summary, the available evidence is currently insufficient to determine the role of this variant in disease. Therefore, it has been classified as a Variant of Uncertain Significance.

Ambry Genetics
Classification: Uncertain significance for Inborn genetic diseases. Last evaluated: 2022-11-07. Review status: criteria provided, single submitter. Criteria: Ambry Variant Classification Scheme 2023. Collection method: clinical testing. Allele origin: germline.